The following is an entry in ClinVar:

ClinVar aggregate classification (germline): Uncertain significance (1 of 4 stars; one submission).

Conditions:
Neurofacioskeletal syndrome with or without renal agenesis. Also called: NEURODEVELOPMENTAL DISORDER WITH CORPUS CALLOSUM AGENESIS, CRANIOFACIAL DYSMORPHISM, AND SKELETAL ANOMALIES, WITH OR WITHOUT RENAL AGENESIS. Identifiers: MedGen C5543070, MONDO:0030966, OMIM 619194.

Submission:

Clinical Genetics Laboratory, University Hospital Schleswig-Holstein
Classification: Uncertain significance for Neurofacioskeletal syndrome with or without renal agenesis. Last evaluated: 2025-06-03. Review status: criteria provided, single submitter. Criteria: ACMG Guidelines, 2015. Collection method: clinical testing. Allele origin: maternal. Affected: yes. Observed: 1 compound heterozygote.
Comment: ACMG criteria applied: PM2, PM3, PP3

NM_012262.4(HS2ST1):c.950A>G (p.Tyr317Cys)

Gene: HS2ST1 (heparan sulfate 2-O-sulfotransferase 1; plus strand). Cytogenetic location: 1p22.3.
Variant type: single nucleotide variant.
Coding change: c.950A>G on transcript NM_012262.4 (MANE Select); coding-DNA position 950, A replaced by G.
Protein change: p.Tyr317Cys; replaces tyrosine 317 with cysteine.
Molecular consequence: missense variant.
Genome position (GRCh38, 1-based): chr1:87,104,575, A>G. VCF-style: chr1-87104575-A-G. GRCh37 (hg19) VCF-style: chr1-87570258-A-G.
Other names: short protein forms Y317C.
Identifiers: ClinVar variation 5042049 (VCV005042049.1).
Genomic context (GRCh38, chr1:87,104,575, plus strand): 5'-CTAAACAAACCATTGCAAAACTACAGCAATCTGATATTTGGAAAATGGAGAATGAGTTCT[A>G]TGAATTTGCACTAGAGCAGTTCCAATTCATCAGAGCCCATGCCGTTCGAGAAAAAGATGG-3'
Protein context (NP_036394.1, residues 307-327): SDIWKMENEF[Tyr317Cys]EFALEQFQFI